The following is an entry in ClinVar:

NM_001754.5(RUNX1):c.614-5A>C

Gene: RUNX1 (RUNX family transcription factor 1; minus strand). Cytogenetic location: 21q22.12.
Variant type: single nucleotide variant.
Coding change: c.614-5A>C on transcript NM_001754.5 (MANE Select); 5 bases into the intron before coding-DNA position 614, A replaced by C.
Molecular consequence: intron variant.
Genome position (GRCh38, 1-based): chr21:34,834,606, T>G on the plus strand (A>C on the coding strand, the complement: RUNX1 is on the minus strand). VCF-style: chr21-34834606-T-G. GRCh37 (hg19) VCF-style: chr21-36206903-T-G.
Other names: c.533-5A>C (NM_001001890.3, NM_001122607.2).
Identifiers: ClinVar variation 2996309 (VCV002996309.4), dbSNP rs1601416069, ClinGen allele CA2387272448.

ClinVar aggregate classification (germline): Uncertain significance. Review status: reviewed by expert panel (3 of 4 stars). 2 submissions from 2 submitters: Uncertain significance (1). 1 of the submissions does not count toward it. Last evaluated 2025-01-15.

Conditions:
Hereditary thrombocytopenia and hematologic cancer predisposition syndrome. Identifiers: Orphanet 71290, MedGen CN281654, MONDO:0011071.
Hereditary thrombocytopenia and hematological cancer predisposition syndrome associated with RUNX1. Also called: RUNX1 Familial Platelet Disorder with Associated Myeloid Malignancies; Familial Platelet Disorder with Propensity to Acute Myelogenous Leukemia; Familial thrombocytopenia with propensity to acute myelogenous leukemia; PLATELET DISORDER, ASPIRIN-LIKE. Identifiers: Orphanet 71290, MedGen C1832388, MeSH C563324, MONDO:0100083, OMIM 601399.

Submissions (2):

ClinGen Myeloid Malignancy Variant Curation Expert Panel
Classification: Uncertain significance for Hereditary thrombocytopenia and hematologic cancer predisposition syndrome. Last evaluated: 2025-01-15. Review status: reviewed by expert panel. Criteria: ClinGen MyeloMalig ACMG Specifications v2. Collection method: curation. Allele origin: germline. Inheritance: Autosomal dominant inheritance.
Comment: NM_001754.5(RUNX1):c.614-5A>C is an intronic variant which has a SpliceAI score ≤ 0.20 (0.01) (BP4). This variant is completely absent from all population databases with at least 20x coverage for RUNX1 (PM2_Supporting). In summary, the clinical significance of this variant is uncertain. ACMG/AMP criteria applied, as specified by the Myeloid Malignancy Variant Curation Expert Panel for RUNX1: BP4, PM2_supporting.

Labcorp Genetics (formerly Invitae), Labcorp
Classification: Likely benign for Hereditary thrombocytopenia and hematological cancer predisposition syndrome associated with RUNX1. Last evaluated: 2024-09-05. Review status: criteria provided, single submitter. Criteria: Invitae Variant Classification Sherloc (09022015). Collection method: clinical testing. Allele origin: germline. Not counted in ClinVar's aggregate classification.